The following is an entry in ClinVar:

NM_006017.3(PROM1):c.2092A>G (p.Ser698Gly)

Gene: PROM1 (prominin 1; minus strand). Cytogenetic location: 4p15.32.
Variant type: single nucleotide variant.
Coding change: c.2092A>G on transcript NM_006017.3 (MANE Select); coding-DNA position 2092, A replaced by G.
Protein change: p.Ser698Gly; replaces serine 698 with glycine.
Molecular consequence: missense variant.
Genome position (GRCh38, 1-based): chr4:15,987,701, T>C on the plus strand (A>G on the coding strand, the complement: PROM1 is on the minus strand). VCF-style: chr4-15987701-T-C. GRCh37 (hg19) VCF-style: chr4-15989324-T-C.
Other names: c.2065A>G, p.Ser689Gly (NM_001145847.2, NM_001145848.2, NM_001145851.2 and 4 more transcripts); c.2092A>G, p.Ser698Gly (NM_001145849.2, NM_001145850.2); short protein forms S698G, S689G.
Identifiers: ClinVar variation 1474518 (VCV001474518.8), dbSNP rs1719817368, ClinGen allele CA356429177.

ClinVar aggregate classification (germline): Uncertain significance (1 of 4 stars; one submission).

Allele frequency attached by ClinVar (database versions not stated): gnomAD 0.00001.

Submission:

Labcorp Genetics (formerly Invitae), Labcorp
Classification: Uncertain significance. Last evaluated: 2022-01-13. Review status: criteria provided, single submitter. Criteria: Invitae Variant Classification Sherloc (09022015). Collection method: clinical testing. Allele origin: germline.
Comment: Algorithms developed to predict the effect of missense changes on protein structure and function (SIFT, PolyPhen-2, Align-GVGD) all suggest that this variant is likely to be tolerated. This variant has not been reported in the literature in individuals affected with PROM1-related conditions. This variant is not present in population databases (gnomAD no frequency). This sequence change replaces serine, which is neutral and polar, with glycine, which is neutral and non-polar, at codon 698 of the PROM1 protein (p.Ser698Gly). In summary, the available evidence is currently insufficient to determine the role of this variant in disease. Therefore, it has been classified as a Variant of Uncertain Significance.